The following is an entry in ClinVar:

ClinVar aggregate classification (germline): Likely benign. Review status: criteria provided, multiple submitters, no conflicts (2 of 4 stars). 4 submissions from 4 submitters: Likely benign (3). 1 of the submissions does not count toward it. Last evaluated 2025-07-30.

Conditions:
Rothmund-Thomson syndrome type 2 (RTS2). Identifiers: Orphanet 221016, MedGen C5203410, MONDO:0016369, OMIM 268400.
RECQL4-related disorder. Also called: RECQL4-related disorders; RECQL4-related condition.
Baller-Gerold syndrome (BGS). Also called: CRANIOSYNOSTOSIS WITH RADIAL DEFECTS. Identifiers: Orphanet 1225, MedGen C0265308, MONDO:0009039, OMIM 218600.

Allele frequency attached by ClinVar (database versions not stated): ESP Exome Variant Server 0.00008; TOPMed 0.00014; gnomAD 0.00026.
gnomAD v4.1: 65 of 1,611,288 alleles (0.004%); highest among the groups gnomAD compares: African/African-American, 0.048%; no homozygotes.

Submissions (4):

Labcorp Genetics (formerly Invitae), Labcorp
Classification: Likely benign for Baller-Gerold syndrome. Last evaluated: 2025-07-30. Review status: criteria provided, single submitter. Criteria: Invitae Variant Classification Sherloc (09022015). Collection method: clinical testing. Allele origin: germline.

CeGaT Center for Human Genetics Tuebingen
Classification: Likely benign. Last evaluated: 2025-05-01. Review status: criteria provided, single submitter. Criteria: CeGaT Center For Human Genetics Tuebingen Variant Classification Criteria Version 2. Collection method: clinical testing. Allele origin: germline. Affected: yes. Observed: 2 variant alleles.
Comment: RECQL4: BP4, BP7

KCCC/NGS Laboratory, Kuwait Cancer Control Center
Classification: Likely benign for Rothmund-Thomson syndrome type 2. Last evaluated: 2023-07-07. Review status: criteria provided, single submitter. Criteria: ACMG Guidelines, 2015. Collection method: clinical testing. Allele origin: germline. Affected: yes.

PreventionGenetics, part of Exact Sciences
Classification: Likely benign for RECQL4-related condition. Last evaluated: 2022-02-03. Review status: no assertion criteria provided. Collection method: clinical testing. Allele origin: germline. Not counted in ClinVar's aggregate classification.
Comment: This variant is classified as likely benign based on ACMG/AMP sequence variant interpretation guidelines (Richards et al. 2015 PMID: 25741868, with internal and published modifications).

NM_004260.4(RECQL4):c.1779C>T (p.Ala593=)

Gene: RECQL4 (RecQ like helicase 4; minus strand). Cytogenetic location: 8q24.3.
Variant type: single nucleotide variant.
Coding change: c.1779C>T on transcript NM_004260.4 (MANE Select); coding-DNA position 1779, C replaced by T.
Protein change: p.Ala593=; no amino-acid change (alanine 593 retained).
Molecular consequence: synonymous variant.
Genome position (GRCh38, 1-based): chr8:144,514,288, G>A on the plus strand (C>T on the coding strand, the complement: RECQL4 is on the minus strand). VCF-style: chr8-144514288-G-A. GRCh37 (hg19) VCF-style: chr8-145739672-G-A.
Identifiers: ClinVar variation 239707 (VCV000239707.36), dbSNP rs369939552, ClinGen allele CA4948662.